The following is an entry in ClinVar:

ClinVar aggregate classification (germline): Uncertain significance (1 of 4 stars; one submission).

Submission:

Women's Health and Genetics/Laboratory Corporation of America, LabCorp
Classification: Uncertain significance. Last evaluated: 2021-02-01. Review status: criteria provided, single submitter. Criteria: LabCorp Variant Classification Summary - May 2015. Collection method: clinical testing. Allele origin: germline.
Comment: Variant summary: FBN1 c.6106T>C (p.Phe2036Leu) results in a non-conservative amino acid change located in the EGF-like calcium-binding domain (IPR001881) of the encoded protein sequence. Five of five in-silico tools predict a damaging effect of the variant on protein function. The variant was absent in 251000 control chromosomes (gnomAD). The available data on variant occurrences in the general population are insufficient to allow any conclusion about variant significance. To our knowledge, no occurrence of c.6106T>C in individuals affected with Marfan Syndrome and no experimental evidence demonstrating its impact on protein function have been reported. No clinical diagnostic laboratories have submitted clinical-significance assessments for this variant to ClinVar after 2014. Based on the evidence outlined above, the variant was classified as uncertain significance.

NM_000138.5(FBN1):c.6106T>C (p.Phe2036Leu)

Gene: FBN1 (fibrillin 1; minus strand). Cytogenetic location: 15q21.1.
Variant type: single nucleotide variant.
Coding change: c.6106T>C on transcript NM_000138.5 (MANE Select); coding-DNA position 6106, T replaced by C.
Protein change: p.Phe2036Leu; replaces phenylalanine 2036 with leucine.
Molecular consequence: missense variant.
Genome position (GRCh38, 1-based): chr15:48,441,778, A>G on the plus strand (T>C on the coding strand, the complement: FBN1 is on the minus strand). VCF-style: chr15-48441778-A-G. GRCh37 (hg19) VCF-style: chr15-48733975-A-G.
Other names: short protein forms F2036L.
Identifiers: ClinVar variation 997890 (VCV000997890.1), dbSNP rs2043116963, ClinGen allele CA392338256.